The following is an entry in ClinVar:

ClinVar aggregate classification (germline): Uncertain significance. Review status: criteria provided, multiple submitters, no conflicts (2 of 4 stars). 2 submissions from 2 submitters: Uncertain significance (2). Last evaluated 2025-09-08.

Conditions:
Bardet-Biedl syndrome (BBS). Identifiers: Orphanet 110, MedGen C0752166, MONDO:0015229.
BBS4-related disorder. Also called: BBS4-related condition.

Allele frequency attached by ClinVar (database versions not stated): gnomAD 0.00001; gnomAD exomes 0.00001.
gnomAD v4.1: 6 of 1,614,016 alleles (0.00037%); highest among the groups gnomAD compares: Admixed American, 0.0083%; no homozygotes.

Submissions (2):

PreventionGenetics, part of Exact Sciences
Classification: Uncertain significance for BBS4-related condition. Last evaluated: 2025-09-08. Review status: criteria provided, single submitter. Criteria: ACMG Guidelines, 2015. Collection method: clinical testing. Allele origin: germline.
Comment: The BBS4 c.1319T>A variant is predicted to result in the amino acid substitution p.Val440Asp. To our knowledge, this variant has not been reported in the literature. This variant is reported in 0.0087% of alleles in individuals of Latino descent in gnomAD. At this time, the clinical significance of this variant is uncertain due to the absence of conclusive functional and genetic evidence.

Labcorp Genetics (formerly Invitae), Labcorp
Classification: Uncertain significance for Bardet-Biedl syndrome. Last evaluated: 2023-11-13. Review status: criteria provided, single submitter. Criteria: Invitae Variant Classification Sherloc (09022015). Collection method: clinical testing. Allele origin: germline.
Comment: This sequence change replaces valine, which is neutral and non-polar, with aspartic acid, which is acidic and polar, at codon 440 of the BBS4 protein (p.Val440Asp). This variant is present in population databases (rs754157578, gnomAD 0.006%). This variant has not been reported in the literature in individuals affected with BBS4-related conditions. ClinVar contains an entry for this variant (Variation ID: 1347324). Advanced modeling of protein sequence and biophysical properties (such as structural, functional, and spatial information, amino acid conservation, physicochemical variation, residue mobility, and thermodynamic stability) performed at Invitae indicates that this missense variant is not expected to disrupt BBS4 protein function with a negative predictive value of 80%. In summary, the available evidence is currently insufficient to determine the role of this variant in disease. Therefore, it has been classified as a Variant of Uncertain Significance.

NM_033028.5(BBS4):c.1319T>A (p.Val440Asp)

Gene: BBS4 (Bardet-Biedl syndrome 4; plus strand). Cytogenetic location: 15q24.1.
Variant type: single nucleotide variant.
Coding change: c.1319T>A on transcript NM_033028.5 (MANE Select); coding-DNA position 1319, T replaced by A.
Protein change: p.Val440Asp; replaces valine 440 with aspartic acid.
Molecular consequence: missense variant. On other transcripts: non-coding transcript variant (2).
Genome position (GRCh38, 1-based): chr15:72,736,832, T>A. VCF-style: chr15-72736832-T-A. GRCh37 (hg19) VCF-style: chr15-73029173-T-A.
Other names: c.1319T>A (NM_033028.4); c.803T>A, p.Val268Asp (NM_001252678.2); c.1250T>A, p.Val417Asp (NM_001320665.2); short protein forms V417D, V268D, V440D.
Identifiers: ClinVar variation 1347324 (VCV001347324.7), dbSNP rs754157578, ClinGen allele CA7646994.